The following is an entry in ClinVar:

NM_004385.5(VCAN):c.5210C>T (p.Thr1737Ile)

Genes: VCAN (versican; plus strand), VCAN-AS1 (VCAN antisense RNA 1; minus strand). Cytogenetic location: 5q14.3.
Variant type: single nucleotide variant.
Coding change: c.5210C>T on transcript NM_004385.5 (MANE Select); coding-DNA position 5210, C replaced by T.
Protein change: p.Thr1737Ile; replaces threonine 1737 with isoleucine.
Molecular consequence: missense variant. On other transcripts: intron variant (2).
Genome position (GRCh38, 1-based): chr5:83,538,213, C>T. VCF-style: chr5-83538213-C-T. GRCh37 (hg19) VCF-style: chr5-82834032-C-T.
Other names: c.2249C>T, p.Thr750Ile (NM_001164097.2); c.4004-7324C>T (NM_001164098.2); c.1043-7324C>T (NM_001126336.3); short protein forms T1737I, T750I.
Identifiers: ClinVar variation 1500198 (VCV001500198.9), dbSNP rs760992229, ClinGen allele CA3333298.

ClinVar aggregate classification (germline): Conflicting classifications of pathogenicity. Review status: criteria provided, conflicting classifications (1 of 4 stars). 2 submissions from 2 submitters: Uncertain significance (1); Likely benign (1). Last evaluated 2025-10-14.

Allele frequency attached by ClinVar (database versions not stated): gnomAD 0.00001; TOPMed 0.00001; ExAC 0.00002; gnomAD exomes 0.00002.
gnomAD v4.1: 24 of 1,613,500 alleles (0.0015%); highest among the groups gnomAD compares: Non-Finnish European, 0.002%; no homozygotes.

Submissions (2):

Labcorp Genetics (formerly Invitae), Labcorp
Classification: Uncertain significance. Last evaluated: 2025-10-14. Review status: criteria provided, single submitter. Criteria: Invitae Variant Classification Sherloc (09022015). Collection method: clinical testing. Allele origin: germline.
Comment: This sequence change replaces threonine, which is neutral and polar, with isoleucine, which is neutral and non-polar, at codon 1737 of the VCAN protein (p.Thr1737Ile). This variant is present in population databases (rs760992229, gnomAD 0.005%). This variant has not been reported in the literature in individuals affected with VCAN-related conditions. ClinVar contains an entry for this variant (Variation ID: 1500198). An algorithm developed to predict the effect of missense changes on protein structure and function outputs the following: PolyPhen-2: "Benign". The isoleucine amino acid residue is found in multiple mammalian species, which suggests that this missense change does not adversely affect protein function. In summary, the available evidence is currently insufficient to determine the role of this variant in disease. Therefore, it has been classified as a Variant of Uncertain Significance.

Blueprint Genetics
Classification: Likely benign. Last evaluated: 2023-08-18. Review status: criteria provided, single submitter. Criteria: ACMG Guidelines, 2015. Collection method: clinical testing. Allele origin: germline.